The following is an entry in ClinVar:

ClinVar aggregate classification (germline): Pathogenic. Review status: criteria provided, single submitter (1 of 4 stars). 2 submissions from 2 submitters: Pathogenic (1). 1 of the submissions does not count toward it. Last evaluated 2025-03-18.

Conditions:
Mucopolysaccharidosis type 1. Also called: Mucopolysaccharidosis Type I; IDUA deficiency; MPS I. Identifiers: Orphanet 579, MedGen C0023786, MONDO:0001586.
Hurler syndrome. Also called: Gargoylism, Hurler Syndrome; MUCOPOLYSACCHARIDOSIS TYPE IH; Severe MPS I (Hurler Syndrome). Identifiers: Orphanet 93473, MedGen C0086795, MONDO:0011758, OMIM 607014.

Submissions (2):

Labcorp Genetics (formerly Invitae), Labcorp
Classification: Pathogenic for Mucopolysaccharidosis type 1. Last evaluated: 2025-03-18. Review status: criteria provided, single submitter. Criteria: Invitae Variant Classification Sherloc (09022015). Collection method: clinical testing. Allele origin: germline.
Comment: This variant, c.1424_1426del, results in the deletion of 1 amino acid(s) of the IDUA protein (p.Tyr475del), but otherwise preserves the integrity of the reading frame. This variant is not present in population databases (gnomAD no frequency). This variant has been observed in individual(s) with mucopolysaccharidosis type I (internal data). In at least one individual the data is consistent with being in trans (on the opposite chromosome) from a pathogenic variant. ClinVar contains an entry for this variant (Variation ID: 554156). Experimental studies and prediction algorithms are not available or were not evaluated, and the functional significance of this variant is currently unknown. For these reasons, this variant has been classified as Pathogenic.

Counsyl
Classification: Uncertain significance for Hurler syndrome. Last evaluated: 2017-09-28. Review status: no assertion criteria provided. Collection method: clinical testing. Allele origin: unknown. Not counted in ClinVar's aggregate classification.

NM_000203.5(IDUA):c.1424_1426del (p.Tyr475del)

Gene: IDUA (alpha-L-iduronidase; plus strand). Cytogenetic location: 4p16.3.
Variant type: Deletion.
Coding change: c.1424_1426del on transcript NM_000203.5 (MANE Select); coding-DNA positions 1424 to 1426, 3 bases deleted (ACC; older notation c.1424_1426delACC).
Protein change: p.Tyr475del; deletes tyrosine 475.
Molecular consequence: inframe deletion. On other transcripts: non-coding transcript variant (1).
Genome position (GRCh38, 1-based): chr4:1,003,057-1,003,059, ACC deleted. VCF-style (leftmost placement, unchanged base first): chr4-1003056-TACC-T. GRCh37 (hg19) VCF-style: chr4-996844-TACC-T.
Other names: c.1028_1030del, p.Tyr343del (NM_001363576.1); short protein forms Y475del, Y343del.
Identifiers: ClinVar variation 554156 (VCV000554156.8), dbSNP rs1553917455, ClinGen allele CA658823294.